The following is an entry in ClinVar:

NM_000310.4(PPT1):c.271_287delinsTT (p.Gln91_Cys96delinsPhe)

Gene: PPT1 (palmitoyl-protein thioesterase 1; minus strand). Cytogenetic location: 1p34.2.
Variant type: Indel.
Coding change: c.271_287delinsTT on transcript NM_000310.4 (MANE Select); coding-DNA positions 271 to 287, CAAGTAACAACAGTGTG replaced by TT.
Protein change: p.Gln91_Cys96delinsPhe.
Molecular consequence: inframe indel. On other transcripts: intron variant (1).
Genome position (GRCh38, 1-based): chr1:40,092,120-40,092,136, CACACTGTTGTTACTTG replaced by AA on the plus strand (CAAGTAACAACAGTGTG replaced by TT on the coding strand, the reverse complement: PPT1 is on the minus strand). VCF-style: chr1-40092120-CACACTGTTGTTACTTG-AA. GRCh37 (hg19) VCF-style: chr1-40557792-CACACTGTTGTTACTTG-AA.
Other names: c.271_287delinsTT, p.Gln91_Cys96delinsPhe (NM_001363695.2); c.125-2624_125-2608delinsTT (NM_001142604.2).
Identifiers: ClinVar variation 56186 (VCV000056186.2), dbSNP rs386833638, ClinGen allele CA263487.

ClinVar aggregate classification (germline): Likely pathogenic (0 of 4 stars; one submission).

Conditions:
Neuronal ceroid lipofuscinosis 1 (CLN1). Also called: CEROID LIPOFUSCINOSIS, NEURONAL, 1, VARIABLE AGE AT ONSET; PPT1-Related Neuronal Ceroid-Lipofuscinosis. Identifiers: Orphanet 228329, MedGen C1850451, MONDO:0009744, OMIM 256730.

Submission:

Juha Muilu Group; Institute for Molecular Medicine Finland (FIMM)
Classification: Likely pathogenic for Ceroid lipofuscinosis neuronal 1. Review status: no assertion criteria provided. Collection method: not provided. Allele origin: unknown.
Comment: FinDis database variant: This variant was not found or characterized by our laboratory, data were collected from public sources: see reference
ClinVar note: Converted during submission from probable-pathogenic to Likely pathogenic.